The following is an entry in ClinVar:

ClinVar aggregate classification (germline): Benign/Likely benign. Review status: criteria provided, multiple submitters, no conflicts (2 of 4 stars). 2 submissions from 2 submitters: Benign (1); Likely benign (1). Last evaluated 2025-10-08.

Submissions (2):

Labcorp Genetics (formerly Invitae), Labcorp
Classification: Benign. Last evaluated: 2025-10-08. Review status: criteria provided, single submitter. Criteria: Invitae Variant Classification Sherloc (09022015). Collection method: clinical testing. Allele origin: germline.

GeneDx
Classification: Likely benign. Last evaluated: 2017-11-22. Review status: criteria provided, single submitter. Criteria: GeneDx Variant Classification (06012015). Collection method: clinical testing. Allele origin: germline. Affected: yes.
Comment: This variant is considered likely benign or benign based on one or more of the following criteria: it is a conservative change, it occurs at a poorly conserved position in the protein, it is predicted to be benign by multiple in silico algorithms, and/or has population frequency not consistent with disease.

NM_003477.3(PDHX):c.161-10dup

Gene: PDHX (pyruvate dehydrogenase complex component X; plus strand). Cytogenetic location: 11p13.
Variant type: Duplication.
Coding change: c.161-10dup on transcript NM_003477.3 (MANE Select); 10 bases into the intron before coding-DNA position 161, one base duplicated (T; older notation c.161-10dupT).
Molecular consequence: intron variant.
Genome position (GRCh38, 1-based): chr11:34,931,394, T duplicated; the last of 7 consecutive T bases (chr11:34,931,388-34,931,394); duplicating any one gives the same sequence. VCF-style (leftmost placement, unchanged base first): chr11-34931387-C-CT. GRCh37 (hg19) VCF-style: chr11-34952934-C-CT.
Other names: c.161-10dupT (NM_003477.2); c.-20-10dup (NM_001135024.2); c.161-10dup (NM_001166158.2).
Identifiers: ClinVar variation 422502 (VCV000422502.5), dbSNP rs771708416, ClinGen allele CA5945756.